The following is an entry in ClinVar:

NM_000138.5(FBN1):c.7497A>G (p.Leu2499=)

Gene: FBN1 (fibrillin 1; minus strand). Cytogenetic location: 15q21.1.
Variant type: single nucleotide variant.
Coding change: c.7497A>G on transcript NM_000138.5 (MANE Select); coding-DNA position 7497, A replaced by G.
Protein change: p.Leu2499=; no amino-acid change (leucine 2499 retained).
Molecular consequence: synonymous variant.
Genome position (GRCh38, 1-based): chr15:48,422,025, T>C on the plus strand (A>G on the coding strand, the complement: FBN1 is on the minus strand). VCF-style: chr15-48422025-T-C. GRCh37 (hg19) VCF-style: chr15-48714222-T-C.
Other names: p.L2499L:CTA>CTG.
Identifiers: ClinVar variation 137313 (VCV000137313.35), dbSNP rs148516442, ClinGen allele CA017223.
Genomic context (GRCh38, chr15:48,422,025, plus strand): 5'-ATGGTGTTGGGTAAATCCGGGAGGACATTTGCATGTGAAGCCGCCAATGGTGTTAACACA[T>C]AGGAACTGGCAGTTGTGTTGCTTGGTTGCACACTCATCAAGATCTACAAGAAAATGCAAG-3'
Protein context (NP_000129.3, residues 2489-2509): CATKQHNCQF[Leu2499=]CVNTIGGFTC

ClinVar aggregate classification (germline): Benign/Likely benign. Review status: criteria provided, multiple submitters, no conflicts (2 of 4 stars). 17 submissions from 11 submitters: Benign (14); Likely benign (3). Last evaluated 2026-07-01.

Conditions:
Weill-Marchesani syndrome. Also called: WM Syndrome; Mesodermal dysmorphodystrophy congenital. Identifiers: Orphanet 3449, MedGen C0265313, MONDO:0018096.
Geleophysic dysplasia. Identifiers: Orphanet 2623, MedGen C3489726, MONDO:0000127.
Marfan syndrome (MFS). Also called: Marfan syndrome, classic; FBN1-Related Marfan Syndrome; MARFAN SYNDROME, TYPE I; Marfan syndrome type 1; Marfan's syndrome. Identifiers: Orphanet 284963, Orphanet 558, MedGen C0024796, MONDO:0007947, OMIM 154700.
Familial thoracic aortic aneurysm and aortic dissection (TAAD). Also called: Thoracic aortic aneurysms and dissections. Identifiers: Orphanet 91387, MedGen C4707243, MONDO:0019625.
Acromicric dysplasia (ACMICD). Also called: Acromicric skeletal dysplasia. Identifiers: Orphanet 969, MedGen C0265287, MONDO:0007055, OMIM 102370.
Stiff skin syndrome (SSKS). Identifiers: Orphanet 2833, MedGen C1861456, MONDO:0008492, OMIM 184900.
Ectopia lentis 1, isolated, autosomal dominant (ECTOL1). Identifiers: Orphanet 1885, MedGen C3541518, MONDO:0007514, OMIM 129600.

Allele frequency attached by ClinVar (database versions not stated): 1000 Genomes Project 30x 0.00172; 1000 Genomes Project 0.00180; gnomAD 0.00249 and 0.00268; ESP Exome Variant Server 0.00262; TOPMed 0.00299.
gnomAD v4.1: 714 of 1,614,044 alleles (0.044%); highest among the groups gnomAD compares: African/African-American, 0.82%; 4 homozygotes.

Submissions (18):

CeGaT Center for Human Genetics Tuebingen
Classification: Likely benign. Last evaluated: 2026-07-01. Review status: criteria provided, single submitter. Criteria: CeGaT Center For Human Genetics Tuebingen Variant Classification Criteria Version 2. Collection method: clinical testing. Allele origin: germline. Affected: yes. Observed: 1 variant allele.
Comment: FBN1: BP4, BP7, BS1

Labcorp Genetics (formerly Invitae), Labcorp
Classification: Benign for Marfan syndrome; Familial thoracic aortic aneurysm and aortic dissection. Last evaluated: 2026-02-01. Review status: criteria provided, single submitter. Criteria: Invitae Variant Classification Sherloc (09022015). Collection method: clinical testing. Allele origin: germline.

ARUP Laboratories, Molecular Genetics and Genomics, ARUP Laboratories
Classification: Benign. Last evaluated: 2025-04-17. Review status: criteria provided, single submitter. Criteria: ARUP Molecular Germline Variant Investigation Process 2024. Collection method: clinical testing. Allele origin: germline.

Blueprint Genetics
Classification: Likely benign. Last evaluated: 2024-10-09. Review status: criteria provided, single submitter. Criteria: ACMG Guidelines, 2015. Collection method: clinical testing. Allele origin: germline.

All of Us Research Program, National Institutes of Health
Classification: Benign for Marfan syndrome. Last evaluated: 2024-02-05. Review status: criteria provided, single submitter. Criteria: ACMG Guidelines, 2015. Collection method: clinical testing. Allele origin: germline. Inheritance: Autosomal dominant inheritance. Observed: 147 variant alleles, 147 heterozygotes.
Comment: This study involves interpretation of variants in research participants for the purpose of population health screening. Participant phenotype was not available at the time of variant classification. Additional details can be found in publication PMID: 35346344, PMCID: PMC8962531

CHEO Genetics Diagnostic Laboratory, Children's Hospital of Eastern Ontario
Classification: Benign for Familial thoracic aortic aneurysm and aortic dissection. Last evaluated: 2023-05-08. Review status: criteria provided, single submitter. Criteria: ACMG Guidelines, 2015. Collection method: clinical testing. Allele origin: germline.

Color Diagnostics, LLC DBA Color Health
Classification: Benign for Familial thoracic aortic aneurysm and aortic dissection. Last evaluated: 2018-10-21. Review status: criteria provided, single submitter. Criteria: ACMG Guidelines, 2015. Collection method: clinical testing. Allele origin: germline.

Illumina Laboratory Services, Illumina
Classification: Benign for Acromicric dysplasia. Last evaluated: 2018-01-13. Review status: criteria provided, single submitter. Criteria: ICSL Variant Classification Criteria 13 December 2019. Collection method: clinical testing. Allele origin: germline.
Comment: This variant was observed in the ICSL laboratory as part of a predisposition screen in an ostensibly healthy population. It had not been previously curated by ICSL or reported in the Human Gene Mutation Database (HGMD: prior to June 1st, 2018), and was therefore a candidate for classification through an automated scoring system. Utilizing variant allele frequency, disease prevalence and penetrance estimates, and inheritance mode, an automated score was calculated to assess if this variant is too frequent to cause the disease. Based on the score and internal cut-off values, a variant classified as benign is not then subjected to further curation. The score for this variant resulted in a classification of benign for this disease.

Illumina Laboratory Services, Illumina
Classification: Benign for Weill-Marchesani syndrome. Last evaluated: 2018-01-13. Review status: criteria provided, single submitter. Criteria: ICSL Variant Classification Criteria 13 December 2019. Collection method: clinical testing. Allele origin: germline.
Comment: the same text as in the submission from Illumina Laboratory Services, Illumina above.

Illumina Laboratory Services, Illumina
Classification: Benign for Geleophysic dysplasia. Last evaluated: 2018-01-13. Review status: criteria provided, single submitter. Criteria: ICSL Variant Classification Criteria 13 December 2019. Collection method: clinical testing. Allele origin: germline.
Comment: the same text as in the submission from Illumina Laboratory Services, Illumina above.

Illumina Laboratory Services, Illumina
Classification: Likely benign for Familial thoracic aortic aneurysm and aortic dissection. Last evaluated: 2018-01-13. Review status: criteria provided, single submitter. Criteria: ICSL Variant Classification Criteria 13 December 2019. Collection method: clinical testing. Allele origin: germline.
Comment: This variant was observed in the ICSL laboratory as part of a predisposition screen in an ostensibly healthy population. It had not been previously curated by ICSL or reported in the Human Gene Mutation Database (HGMD: prior to June 1st, 2018), and was therefore a candidate for classification through an automated scoring system. Utilizing variant allele frequency, disease prevalence and penetrance estimates, and inheritance mode, an automated score was calculated to assess if this variant is too frequent to cause the disease. Based on the score and internal cut-off values, a variant classified as likely benign is not then subjected to further curation. The score for this variant resulted in a classification of likely benign for this disease.

Illumina Laboratory Services, Illumina
Classification: Benign for Marfan syndrome. Last evaluated: 2018-01-13. Review status: criteria provided, single submitter. Criteria: ICSL Variant Classification Criteria 13 December 2019. Collection method: clinical testing. Allele origin: germline.
Comment: the same text as in the submission from Illumina Laboratory Services, Illumina above.

Illumina Laboratory Services, Illumina
Classification: Benign for Stiff skin syndrome. Last evaluated: 2018-01-13. Review status: criteria provided, single submitter. Criteria: ICSL Variant Classification Criteria 13 December 2019. Collection method: clinical testing. Allele origin: germline.
Comment: the same text as in the submission from Illumina Laboratory Services, Illumina above.

Illumina Laboratory Services, Illumina
Classification: Benign for Ectopia lentis 1, isolated, autosomal dominant. Last evaluated: 2018-01-13. Review status: criteria provided, single submitter. Criteria: ICSL Variant Classification Criteria 13 December 2019. Collection method: clinical testing. Allele origin: germline.
Comment: the same text as in the submission from Illumina Laboratory Services, Illumina above.

Ambry Genetics
Classification: Benign for Familial thoracic aortic aneurysm and aortic dissection. Last evaluated: 2016-02-10. Review status: criteria provided, single submitter. Criteria: Ambry Variant Classification Scheme 2023. Collection method: clinical testing. Allele origin: germline.

Laboratory for Molecular Medicine, Mass General Brigham Personalized Medicine
Classification: Benign. Last evaluated: 2014-08-18. Review status: criteria provided, single submitter. Criteria: LMM Criteria. Collection method: clinical testing. Allele origin: germline. Observed: 1 variant allele.
Comment: Leu2499Leu in Exon 60 of FBN1: This variant is not expected to have clinical sig nificance because it does not alter an amino acid residue, is not located within the splice consensus sequence and has been identified in 0.8% (34/4396) of Afri can American chromosomes from a broad population by the NHLBI Exome Sequencing P roject (dbSNP rs148516442).

GeneDx
Classification: Benign. Last evaluated: 2014-01-12. Review status: criteria provided, single submitter. Criteria: GeneDx Variant Classification (06012015). Collection method: clinical testing. Allele origin: germline. Affected: yes.
Comment: This variant is considered likely benign or benign based on one or more of the following criteria: it is a conservative change, it occurs at a poorly conserved position in the protein, it is predicted to be benign by multiple in silico algorithms, and/or has population frequency not consistent with disease.

Dr. Peter K. Rogan Lab, Western University
No classification provided (evidence only). Condition: Malignant tumor of esophagus. Review status: no classification provided. Collection method: in vitro. Allele origin: not applicable. Functional consequence: retained intron. Not counted in ClinVar's aggregate classification.